The following is an entry in ClinVar:

ClinVar aggregate classification (germline): Uncertain significance (1 of 4 stars; one submission).

Conditions:
3-methylcrotonyl-CoA carboxylase 2 deficiency. Also called: 3 alpha methylcrotonyl-CoA carboxylase 2 deficiency; 3 alpha methylcrotonylglycinuria 2; MCC 2 deficiency; Methylcrotonylglycinuria type 2; METHYLCROTONYLGLYCINURIA, TYPE II. Identifiers: Orphanet 6, MedGen C1859499, MONDO:0008862, OMIM 210210.

Submission:

Labcorp Genetics (formerly Invitae), Labcorp
Classification: Uncertain significance for 3-methylcrotonyl-CoA carboxylase 2 deficiency. Last evaluated: 2023-01-27. Review status: criteria provided, single submitter. Criteria: Invitae Variant Classification Sherloc (09022015). Collection method: clinical testing. Allele origin: germline.
Comment: This sequence change replaces valine, which is neutral and non-polar, with alanine, which is neutral and non-polar, at codon 321 of the MCCC2 protein (p.Val321Ala). This variant is not present in population databases (gnomAD no frequency). This variant has not been reported in the literature in individuals affected with MCCC2-related conditions. Advanced modeling of protein sequence and biophysical properties (such as structural, functional, and spatial information, amino acid conservation, physicochemical variation, residue mobility, and thermodynamic stability) performed at Invitae indicates that this missense variant is not expected to disrupt MCCC2 protein function. In summary, the available evidence is currently insufficient to determine the role of this variant in disease. Therefore, it has been classified as a Variant of Uncertain Significance.

NM_022132.5(MCCC2):c.962T>C (p.Val321Ala)

Gene: MCCC2 (methylcrotonyl-CoA carboxylase subunit 2; plus strand). Cytogenetic location: 5q13.2.
Variant type: single nucleotide variant.
Coding change: c.962T>C on transcript NM_022132.5 (MANE Select); coding-DNA position 962, T replaced by C.
Protein change: p.Val321Ala; replaces valine 321 with alanine.
Molecular consequence: missense variant.
Genome position (GRCh38, 1-based): chr5:71,635,209, T>C. VCF-style: chr5-71635209-T-C. GRCh37 (hg19) VCF-style: chr5-70931036-T-C.
Other names: c.848T>C, p.Val283Ala (NM_001363147.1); short protein forms V283A, V321A.
Identifiers: ClinVar variation 2824555 (VCV002824555.3), dbSNP rs2530829319, ClinGen allele CA359987713.